The following is an entry in ClinVar:

ClinVar aggregate classification (germline): Conflicting classifications of pathogenicity. Review status: criteria provided, conflicting classifications (1 of 4 stars). 3 submissions from 3 submitters: Uncertain significance (1); Likely benign (2). Last evaluated 2026-05-05.

Conditions:
Hereditary cancer-predisposing syndrome. Also called: Neoplastic Syndromes, Hereditary; Hereditary Cancer Syndrome; Tumor predisposition; Hereditary neoplastic syndrome. Identifiers: Orphanet 140162, MedGen C0027672, MeSH D009386, MONDO:0015356.
Gorlin syndrome. Also called: Basal cell nevus syndrome; Nevoid Basal Cell Carcinoma Syndrome. Identifiers: Orphanet 377, MedGen C0004779, MONDO:0007187.

Allele frequency attached by ClinVar (database versions not stated): gnomAD 0.00001; TOPMed 0.00001; ExAC 0.00002.
gnomAD v4.1: 14 of 1,614,014 alleles (0.00087%); highest among the groups gnomAD compares: Admixed American, 0.005%; no homozygotes.

Submissions (3):

Ambry Genetics
Classification: Likely benign for Hereditary cancer-predisposing syndrome. Last evaluated: 2026-05-05. Review status: criteria provided, single submitter. Criteria: Ambry Variant Classification Scheme 2023. Collection method: clinical testing. Allele origin: germline.

Labcorp Genetics (formerly Invitae), Labcorp
Classification: Likely benign for Gorlin syndrome. Last evaluated: 2025-10-18. Review status: criteria provided, single submitter. Criteria: Invitae Variant Classification Sherloc (09022015). Collection method: clinical testing. Allele origin: germline.

GeneDx
Classification: Uncertain significance. Last evaluated: 2023-05-12. Review status: criteria provided, single submitter. Criteria: GeneDx Variant Classification Process June 2021. Collection method: clinical testing. Allele origin: germline. Affected: yes.
Comment: In silico analysis supports that this missense variant has a deleterious effect on protein structure/function; Observed in an individual from a high-risk colorectal cancer family (Martin-Morales et al., 2018); This variant is associated with the following publications: (PMID: 30256826, Xu2018[poster])

Literature cited by the submitters: PubMed 30256826 (cited by Ambry Genetics).

NM_000264.5(PTCH1):c.3388G>A (p.Ala1130Thr)

Gene: PTCH1 (patched 1; minus strand). Cytogenetic location: 9q22.32.
Variant type: single nucleotide variant.
Coding change: c.3388G>A on transcript NM_000264.5 (MANE Select); coding-DNA position 3388, G replaced by A.
Protein change: p.Ala1130Thr; replaces alanine 1130 with threonine.
Molecular consequence: missense variant. On other transcripts: non-coding transcript variant (1).
Genome position (GRCh38, 1-based): chr9:95,453,539, C>T on the plus strand (G>A on the coding strand, the complement: PTCH1 is on the minus strand). VCF-style: chr9-95453539-C-T. GRCh37 (hg19) VCF-style: chr9-98215821-C-T.
Other names: c.3190G>A, p.Ala1064Thr (NM_001083602.3); c.3385G>A, p.Ala1129Thr (NM_001083603.3); c.2935G>A, p.Ala979Thr (NM_001083604.3, NM_001083605.3, NM_001083606.3 and 1 more transcripts); c.3232G>A, p.Ala1078Thr (NM_001354918.2); short protein forms A1064T, A1130T, A1129T, A979T, A1078T.
Identifiers: ClinVar variation 216381 (VCV000216381.17), dbSNP rs766037357, ClinGen allele CA336551.
Genomic context (GRCh38, chr9:95,453,539, plus strand): 5'-TGACAATGAAGTCGAACTCAGATCCCGCCAGCATCAGCACTCCCAGCAGAGTGGACACGG[C>T]GCCATCCAGGACGGGTGCAAACATGTGCTCCAGGGCAAGCACAGCCCTGCGGTTCTTGTC-3'
Protein context (NP_000255.2, residues 1120-1140): EHMFAPVLDG[Ala1130Thr]VSTLLGVLML